The following is an entry in ClinVar:

ClinVar aggregate classification (germline): Likely benign (1 of 4 stars; one submission).

Submission:

CeGaT Center for Human Genetics Tuebingen
Classification: Likely benign. Last evaluated: 2024-11-01. Review status: criteria provided, single submitter. Criteria: CeGaT Center For Human Genetics Tuebingen Variant Classification Criteria Version 2. Collection method: clinical testing. Allele origin: germline. Affected: yes. Observed: 1 variant allele.
Comment: PPM1D: PM2:Supporting, BP4, BP7

NM_003620.4(PPM1D):c.9G>T (p.Gly3=)

Gene: PPM1D (protein phosphatase, Mg2+/Mn2+ dependent 1D; plus strand). Cytogenetic location: 17q23.2.
Variant type: single nucleotide variant.
Coding change: c.9G>T on transcript NM_003620.4 (MANE Select); coding-DNA position 9, G replaced by T.
Protein change: p.Gly3=; no amino-acid change (glycine 3 retained).
Molecular consequence: synonymous variant.
Genome position (GRCh38, 1-based): chr17:60,600,423, G>T. VCF-style: chr17-60600423-G-T. GRCh37 (hg19) VCF-style: chr17-58677784-G-T.
Identifiers: ClinVar variation 3390044 (VCV003390044.14).
Genomic context (GRCh38, chr17:60,600,423, plus strand): 5'-CCGCCGGATTCGGCGGGCTGCGTGGGACCGGCGGGATCCCGGCCAGCCGGCCATGGCGGG[G>T]CTGTACTCGCTGGGAGTGAGCGTCTTCTCCGACCAGGGCGGGAGGAAGTACATGGAGGAC-3'
Protein context (NP_003611.1, residues 1-13): MA[Gly3=]LYSLGVSVFS